The following is an entry in ClinVar:

ClinVar aggregate classification (germline): Uncertain significance. Review status: criteria provided, multiple submitters, no conflicts (2 of 4 stars). 2 submissions from 2 submitters: Uncertain significance (2). Last evaluated 2025-09-04.

Conditions:
Inborn genetic diseases. Identifiers: MedGen C0950123, MeSH D030342.

Allele frequency attached by ClinVar (database versions not stated): gnomAD exomes 0.00001; TOPMed 0.00001.
gnomAD v4.1: 21 of 1,614,230 alleles (0.0013%); highest among the groups gnomAD compares: Middle Eastern, 0.016%; no homozygotes.

Submissions (2):

Ambry Genetics
Classification: Uncertain significance for Inborn genetic diseases. Last evaluated: 2025-09-04. Review status: criteria provided, single submitter. Criteria: Ambry Variant Classification Scheme 2023. Collection method: clinical testing. Allele origin: germline.

Labcorp Genetics (formerly Invitae), Labcorp
Classification: Uncertain significance. Last evaluated: 2023-10-27. Review status: criteria provided, single submitter. Criteria: Invitae Variant Classification Sherloc (09022015). Collection method: clinical testing. Allele origin: germline.
Comment: This sequence change replaces tyrosine, which is neutral and polar, with cysteine, which is neutral and slightly polar, at codon 813 of the ANKRD17 protein (p.Tyr813Cys). This variant is present in population databases (no rsID available, gnomAD 0.0009%). This variant has not been reported in the literature in individuals affected with ANKRD17-related conditions. An algorithm developed to predict the effect of missense changes on protein structure and function (PolyPhen-2) suggests that this variant is likely to be tolerated. In summary, the available evidence is currently insufficient to determine the role of this variant in disease. Therefore, it has been classified as a Variant of Uncertain Significance.

NM_032217.5(ANKRD17):c.2777A>G (p.Tyr926Cys)

Gene: ANKRD17 (ankyrin repeat domain 17; minus strand). Cytogenetic location: 4q13.3.
Variant type: single nucleotide variant.
Coding change: c.2777A>G on transcript NM_032217.5 (MANE Select); coding-DNA position 2777, A replaced by G.
Protein change: p.Tyr926Cys; replaces tyrosine 926 with cysteine.
Molecular consequence: missense variant. On other transcripts: intron variant (1).
Genome position (GRCh38, 1-based): chr4:73,139,839, T>C on the plus strand (A>G on the coding strand, the complement: ANKRD17 is on the minus strand). VCF-style: chr4-73139839-T-C. GRCh37 (hg19) VCF-style: chr4-74005556-T-C.
Other names: c.2438A>G, p.Tyr813Cys (NM_001286771.3); c.2777A>G, p.Tyr926Cys (NM_015574.2); c.2332+1902A>G (NM_198889.3); c.2777A>G (NM_032217.3); short protein forms Y813C, Y926C.
Identifiers: ClinVar variation 2771968 (VCV002771968.4), dbSNP rs1218025101, ClinGen allele CA357221857.